The following is an entry in ClinVar:

ClinVar aggregate classification (germline): Uncertain significance (1 of 4 stars; one submission).

Conditions:
Peroxisome biogenesis disorder. Identifiers: Orphanet 79189, MedGen C1832200, MONDO:0019234. Disease mechanism: loss of function.

Submission:

Labcorp Genetics (formerly Invitae), Labcorp
Classification: Uncertain significance for Peroxisome biogenesis disorder. Last evaluated: 2024-01-23. Review status: criteria provided, single submitter. Criteria: Invitae Variant Classification Sherloc (09022015). Collection method: clinical testing. Allele origin: germline.
Comment: This sequence change replaces alanine, which is neutral and non-polar, with serine, which is neutral and polar, at codon 43 of the PEX6 protein (p.Ala43Ser). This variant is not present in population databases (gnomAD no frequency). This variant has not been reported in the literature in individuals affected with PEX6-related conditions. ClinVar contains an entry for this variant (Variation ID: 956816). An algorithm developed to predict the effect of missense changes on protein structure and function (PolyPhen-2) suggests that this variant is likely to be disruptive. In summary, the available evidence is currently insufficient to determine the role of this variant in disease. Therefore, it has been classified as a Variant of Uncertain Significance.

NM_000287.4(PEX6):c.127G>T (p.Ala43Ser)

Gene: PEX6 (peroxisomal biogenesis factor 6; minus strand). Cytogenetic location: 6p21.1.
Variant type: single nucleotide variant.
Coding change: c.127G>T on transcript NM_000287.4 (MANE Select); coding-DNA position 127, G replaced by T.
Protein change: p.Ala43Ser; replaces alanine 43 with serine.
Molecular consequence: missense variant. On other transcripts: non-coding transcript variant (1).
Genome position (GRCh38, 1-based): chr6:42,979,024, C>A on the plus strand (G>T on the coding strand, the complement: PEX6 is on the minus strand). VCF-style: chr6-42979024-C-A. GRCh37 (hg19) VCF-style: chr6-42946762-C-A.
Other names: c.127G>T, p.Ala43Ser (NM_001316313.2); short protein forms A43S.
Identifiers: ClinVar variation 956816 (VCV000956816.10), dbSNP rs1770442809, ClinGen allele CA364168938.